The following is an entry in ClinVar:

NM_001001557.4(GDF6):c.818A>G (p.Gln273Arg)

Gene: GDF6 (growth differentiation factor 6; minus strand). Cytogenetic location: 8q22.1.
Variant type: single nucleotide variant.
Coding change: c.818A>G on transcript NM_001001557.4 (MANE Select); coding-DNA position 818, A replaced by G.
Protein change: p.Gln273Arg; replaces glutamine 273 with arginine.
Molecular consequence: missense variant.
Genome position (GRCh38, 1-based): chr8:96,145,113, T>C on the plus strand (A>G on the coding strand, the complement: GDF6 is on the minus strand). VCF-style: chr8-96145113-T-C. GRCh37 (hg19) VCF-style: chr8-97157341-T-C.
Other names: short protein forms Q273R.
Identifiers: ClinVar variation 2936735 (VCV002936735.3), dbSNP rs1191944900, ClinGen allele CA371751765.
Genomic context (GRCh38, chr8:96,145,113, plus strand): 5'-ATCTCTGCGAACAGGTTCTTGCGCTGGGATCTGGTGAATACCACCAGCAGGGCCCGCTCC[T>C]GGGGAGGCCGCACCCTCCGGCCGAAGCCCAGACTCCGCAGGTCCGGGGGCGGCGGTTGCT-3'
Protein context (NP_001001557.1, residues 263-283): LGFGRRVRPP[Gln273Arg]ERALLVVFTR

ClinVar aggregate classification (germline): Uncertain significance (1 of 4 stars; one submission).

Conditions:
Klippel-Feil syndrome 1, autosomal dominant (KFS1). Also called: CERVICAL VERTEBRAL FUSION, AUTOSOMAL DOMINANT. Identifiers: Orphanet 2345, MedGen C1861689, MONDO:0007306, OMIM 118100.
Leber congenital amaurosis 17 (LCA17). Identifiers: Orphanet 65, MedGen C3715164, MONDO:0014145, OMIM 615360.
Isolated microphthalmia 4. Identifiers: Orphanet 2542, MedGen C2751307, MONDO:0013130, OMIM 613094.
Microphthalmia, isolated, with coloboma 6 (MCOPCB6). Also called: Microphthalmia with coloboma 6, digenic; Microphthalmia with coloboma 6; MICROPHTHALMIA/COLOBOMA 6. Identifiers: Orphanet 98938, MedGen C3150968, MONDO:0013376, OMIM 613703.

Allele frequency attached by ClinVar (database versions not stated): TOPMed below 0.00001; gnomAD 0.00001.
gnomAD v4.1: 3 of 1,524,916 alleles (0.0002%); highest among the groups gnomAD compares: Non-Finnish European, 0.00026%; no homozygotes.

Submission:

Labcorp Genetics (formerly Invitae), Labcorp
Classification: Uncertain significance for Isolated microphthalmia 4; Leber congenital amaurosis 17; Klippel-Feil syndrome 1, autosomal dominant; Microphthalmia, isolated, with coloboma 6. Last evaluated: 2025-03-31. Review status: criteria provided, single submitter. Criteria: Invitae Variant Classification Sherloc (09022015). Collection method: clinical testing. Allele origin: germline.
Comment: This sequence change replaces glutamine, which is neutral and polar, with arginine, which is basic and polar, at codon 273 of the GDF6 protein (p.Gln273Arg). This variant is present in population databases (no rsID available, gnomAD 0.007%). This variant has not been reported in the literature in individuals affected with GDF6-related conditions. ClinVar contains an entry for this variant (Variation ID: 2936735). Invitae Evidence Modeling of protein sequence and biophysical properties (such as structural, functional, and spatial information, amino acid conservation, physicochemical variation, residue mobility, and thermodynamic stability) indicates that this missense variant is not expected to disrupt GDF6 protein function with a negative predictive value of 80%. In summary, the available evidence is currently insufficient to determine the role of this variant in disease. Therefore, it has been classified as a Variant of Uncertain Significance.